The following is an entry in ClinVar:

NM_001999.4(FBN2):c.4877G>A (p.Ser1626Asn)

Gene: FBN2 (fibrillin 2; minus strand). Cytogenetic location: 5q23.3.
Variant type: single nucleotide variant.
Coding change: c.4877G>A on transcript NM_001999.4 (MANE Select); coding-DNA position 4877, G replaced by A.
Protein change: p.Ser1626Asn; replaces serine 1626 with asparagine.
Molecular consequence: missense variant.
Genome position (GRCh38, 1-based): chr5:128,312,636, C>T on the plus strand (G>A on the coding strand, the complement: FBN2 is on the minus strand). VCF-style: chr5-128312636-C-T. GRCh37 (hg19) VCF-style: chr5-127648328-C-T.
Other names: short protein forms S1626N.
Identifiers: ClinVar variation 1982849 (VCV001982849.4), dbSNP rs1403929477, ClinGen allele CA360746482.

ClinVar aggregate classification (germline): Uncertain significance (1 of 4 stars; one submission).

Conditions:
Congenital contractural arachnodactyly (CCA). Also called: Beals-Hecht syndrome; Arthrogryposis, distal, type 9; BEALS SYNDROME. Identifiers: Orphanet 115, MedGen C0220668, MONDO:0007363, OMIM 121050.

Allele frequency attached by ClinVar (database versions not stated): TOPMed below 0.00001; gnomAD exomes 0.00001.
gnomAD v4.1: 5 of 1,614,028 alleles (0.00031%); highest among the groups gnomAD compares: Non-Finnish European, 0.00042%; no homozygotes.

Submission:

Labcorp Genetics (formerly Invitae), Labcorp
Classification: Uncertain significance for Congenital contractural arachnodactyly. Last evaluated: 2023-05-02. Review status: criteria provided, single submitter. Criteria: Invitae Variant Classification Sherloc (09022015). Collection method: clinical testing. Allele origin: germline.
Comment: ClinVar contains an entry for this variant (Variation ID: 1982849). In summary, the available evidence is currently insufficient to determine the role of this variant in disease. Therefore, it has been classified as a Variant of Uncertain Significance. Algorithms developed to predict the effect of sequence changes on RNA splicing suggest that this variant may disrupt the consensus splice site. An algorithm developed to predict the effect of missense changes on protein structure and function (PolyPhen-2) suggests that this variant is likely to be disruptive. This variant has not been reported in the literature in individuals affected with FBN2-related conditions. This variant is not present in population databases (gnomAD no frequency). This sequence change replaces serine, which is neutral and polar, with asparagine, which is neutral and polar, at codon 1626 of the FBN2 protein (p.Ser1626Asn).